The following is an entry in ClinVar:

NM_053025.4(MYLK):c.5609G>T (p.Ser1870Ile)

Genes: MYLK (myosin light chain kinase; minus strand), MYLK-AS1 (MYLK antisense RNA 1; plus strand). Cytogenetic location: 3q21.1.
Variant type: single nucleotide variant.
Coding change: c.5609G>T on transcript NM_053025.4 (MANE Select); coding-DNA position 5609, G replaced by T.
Protein change: p.Ser1870Ile; replaces serine 1870 with isoleucine.
Molecular consequence: missense variant.
Genome position (GRCh38, 1-based): chr3:123,614,241, C>A on the plus strand (G>T on the coding strand, the complement: MYLK is on the minus strand). VCF-style: chr3-123614241-C-A. GRCh37 (hg19) VCF-style: chr3-123333088-C-A.
Other names: c.5081G>T, p.Ser1694Ile (NM_001321309.2); c.5402G>T, p.Ser1801Ile (NM_053026.4); c.5456G>T, p.Ser1819Ile (NM_053027.4); c.5249G>T, p.Ser1750Ile (NM_053028.4); c.326G>T, p.Ser109Ile (NM_053031.4); c.329G>T, p.Ser110Ile (NM_053032.4); short protein forms S109I, S110I, S1694I, S1750I, S1801I, S1819I, S1870I.
Identifiers: ClinVar variation 1315816 (VCV001315816.3), dbSNP rs759672855, ClinGen allele CA073134.

ClinVar aggregate classification (germline): Uncertain significance. Review status: criteria provided, multiple submitters, no conflicts (2 of 4 stars). 2 submissions from 2 submitters: Uncertain significance (2). Last evaluated 2025-07-21.

Conditions:
Familial thoracic aortic aneurysm and aortic dissection (TAAD). Also called: Thoracic aortic aneurysms and dissections. Identifiers: Orphanet 91387, MedGen C4707243, MONDO:0019625.

Allele frequency attached by ClinVar (database versions not stated): gnomAD exomes below 0.00001 and 0.00001; TOPMed 0.00001; ExAC 0.00002.
gnomAD v4.1: 1 of 1,614,122 alleles (0.000062%); highest among the groups gnomAD compares: East Asian, 0.0022%; no homozygotes.

Submissions (2):

Ambry Genetics
Classification: Uncertain significance for Familial thoracic aortic aneurysm and aortic dissection. Last evaluated: 2025-07-21. Review status: criteria provided, single submitter. Criteria: Ambry Variant Classification Scheme 2023. Collection method: clinical testing. Allele origin: germline.
Comment: The p.S1870I variant (also known as c.5609G>T), located in coding exon 31 of the MYLK gene, results from a G to T substitution at nucleotide position 5609. The serine at codon 1870 is replaced by isoleucine, an amino acid with dissimilar properties. This amino acid position is conserved. In addition, this alteration is predicted to be deleterious by in silico analysis. Based on the available evidence, the clinical significance of this variant remains unclear.

GeneDx
Classification: Uncertain significance. Last evaluated: 2019-10-29. Review status: criteria provided, single submitter. Criteria: GeneDx Variant Classification Process June 2021. Collection method: clinical testing. Allele origin: germline. Affected: yes.
Comment: Has not been previously published as pathogenic or benign to our knowledge; Not observed at a significant frequency in large population cohorts (Lek et al., 2016); In silico analysis, which includes protein predictors and evolutionary conservation, supports a deleterious effect